The following is an entry in ClinVar:

ClinVar aggregate classification (germline): Uncertain significance. Review status: criteria provided, multiple submitters, no conflicts (2 of 4 stars). 8 submissions from 8 submitters: Uncertain significance (8). Last evaluated 2026-01-21.

Conditions:
Familial cancer of breast. Also called: hereditary breast carcinoma; Hereditary breast cancer; BREAST CANCER, FAMILIAL. Identifiers: Orphanet 227535, MedGen C0346153, MONDO:0016419, OMIM 114480. Disease mechanism: loss of function.
Hereditary cancer-predisposing syndrome. Also called: Tumor predisposition; Hereditary Cancer Syndrome; Neoplastic Syndromes, Hereditary; Hereditary neoplastic syndrome. Identifiers: Orphanet 140162, MedGen C0027672, MeSH D009386, MONDO:0015356.

Allele frequency attached by ClinVar (database versions not stated): gnomAD exomes below 0.00001.
gnomAD v4.1: 6 of 1,613,240 alleles (0.00037%); highest among the groups gnomAD compares: Non-Finnish European, 0.00051%; no homozygotes.

Submissions (8):

Labcorp Genetics (formerly Invitae), Labcorp
Classification: Uncertain significance for Familial cancer of breast. Last evaluated: 2026-01-21. Review status: criteria provided, single submitter. Criteria: Invitae Variant Classification Sherloc (09022015). Collection method: clinical testing. Allele origin: germline.
Comment: This sequence change replaces glutamic acid, which is acidic and polar, with lysine, which is basic and polar, at codon 445 of the BARD1 protein (p.Glu445Lys). This variant is not present in population databases (gnomAD no frequency). This missense change has been observed in individual(s) with breast cancer (PMID: 29785153, 31159747). ClinVar contains an entry for this variant (Variation ID: 479183). An algorithm developed to predict the effect of missense changes on protein structure and function (PolyPhen-2) suggests that this variant is likely to be tolerated. In summary, the available evidence is currently insufficient to determine the role of this variant in disease. Therefore, it has been classified as a Variant of Uncertain Significance.

Center for Genomic Medicine, Rigshospitalet, Copenhagen University Hospital
Classification: Uncertain significance. Last evaluated: 2025-03-04. Review status: criteria provided, single submitter. Criteria: ACMG Guidelines, 2015. Collection method: clinical testing. Allele origin: germline.

Ambry Genetics
Classification: Uncertain significance for Hereditary cancer-predisposing syndrome. Last evaluated: 2025-02-19. Review status: criteria provided, single submitter. Criteria: Ambry Variant Classification Scheme 2023. Collection method: clinical testing. Allele origin: germline.
Comment: The p.E445K variant (also known as c.1333G>A), located in coding exon 5 of the BARD1 gene, results from a G to A substitution at nucleotide position 1333. The glutamic acid at codon 445 is replaced by lysine, an amino acid with similar properties. This alteration was reported in 1/130 Romanian breast cancer cases meeting NCCN criteria for genetic testing (Goidescu IG et al. Clujul Med, 2018 Apr;91:157-165). This alteration has also been reported in 2/1197 individuals with a personal and/or family history of breast and/or ovarian cancer (Tsaousis GN et al. BMC Cancer, 2019 Jun;19:535). This amino acid position is well conserved in available vertebrate species. In addition, this alteration is predicted to be tolerated by in silico analysis. Since supporting evidence is limited at this time, the clinical significance of this alteration remains unclear.

Color Diagnostics, LLC DBA Color Health
Classification: Uncertain significance for Hereditary cancer-predisposing syndrome. Last evaluated: 2024-08-06. Review status: criteria provided, single submitter. Criteria: ACMG Guidelines, 2015. Collection method: clinical testing. Allele origin: germline.
Comment: This missense variant replaces glutamic acid with lysine at codon 445 of the BARD1 protein. Computational prediction suggests that this variant may not impact protein structure and function. To our knowledge, functional studies have not been reported for this variant. This variant has been reported in one individual affected with breast cancer (PMID: 29785153). This variant has not been identified in the general population by the Genome Aggregation Database (gnomAD). The available evidence is insufficient to determine the role of this variant in disease conclusively. Therefore, this variant is classified as a Variant of Uncertain Significance.

Fulgent Genetics
Classification: Uncertain significance for Familial cancer of breast. Last evaluated: 2024-04-13. Review status: criteria provided, single submitter. Criteria: ACMG Guidelines, 2015. Collection method: clinical testing. Allele origin: germline.

Blueprint Genetics
Classification: Uncertain significance. Last evaluated: 2023-02-01. Review status: criteria provided, single submitter. Criteria: ACMG Guidelines, 2015. Collection method: clinical testing. Allele origin: germline.

GeneDx
Classification: Uncertain significance. Last evaluated: 2019-12-19. Review status: criteria provided, single submitter. Criteria: GeneDx Variant Classification Process June 2021. Collection method: clinical testing. Allele origin: germline. Affected: yes.
Comment: Not observed in large population cohorts (Lek 2016); In silico analysis, which includes protein predictors and evolutionary conservation, supports that this variant does not alter protein structure/function; This variant is associated with the following publications: (PMID: 31159747, 29785153)

GeneKor MSA
Classification: Uncertain significance for Hereditary cancer-predisposing syndrome. Last evaluated: 2018-08-01. Review status: criteria provided, single submitter. Criteria: ACMG Guidelines, 2015. Collection method: clinical testing. Allele origin: germline. Affected: yes.

Literature cited by the submitters: PubMed 29785153 (cited by 3 submitters); PubMed 31159747 (cited by Labcorp Genetics (formerly Invitae), Labcorp and Ambry Genetics).

NM_000465.4(BARD1):c.1333G>A (p.Glu445Lys)

Gene: BARD1 (BRCA1 associated RING domain 1; minus strand). Cytogenetic location: 2q35.
Variant type: single nucleotide variant.
Coding change: c.1333G>A on transcript NM_000465.4 (MANE Select); coding-DNA position 1333, G replaced by A.
Protein change: p.Glu445Lys; replaces glutamic acid 445 with lysine.
Molecular consequence: missense variant. On other transcripts: non-coding transcript variant (3), intron variant (3).
Genome position (GRCh38, 1-based): chr2:214,769,294, C>T on the plus strand (G>A on the coding strand, the complement: BARD1 is on the minus strand). VCF-style: chr2-214769294-C-T. GRCh37 (hg19) VCF-style: chr2-215634018-C-T.
Other names: c.1276G>A, p.Glu426Lys (NM_001282543.2); c.159-16739G>A (NM_001282548.2); c.216-16739G>A (NM_001282545.2); c.364+23003G>A (NM_001282549.2); short protein forms E445K, E426K.
Identifiers: ClinVar variation 479183 (VCV000479183.25), dbSNP rs1553619735, ClinGen allele CA350450476.